The following is an entry in ClinVar:

ClinVar aggregate classification (germline): Uncertain significance (1 of 4 stars; one submission).

Conditions:
Short-rib thoracic dysplasia 13 with or without polydactyly (SRTD13). Identifiers: Orphanet 474, MedGen C4225378, MONDO:0014577, OMIM 616300.

gnomAD v4.1: 1 of 1,613,956 alleles (0.000062%); highest among the groups gnomAD compares: Admixed American, 0.0017%; no homozygotes.

Submission:

Labcorp Genetics (formerly Invitae), Labcorp
Classification: Uncertain significance for Short-rib thoracic dysplasia 13 with or without polydactyly. Last evaluated: 2023-10-03. Review status: criteria provided, single submitter. Criteria: Invitae Variant Classification Sherloc (09022015). Collection method: clinical testing. Allele origin: germline.
Comment: This sequence change replaces isoleucine, which is neutral and non-polar, with methionine, which is neutral and non-polar, at codon 95 of the CEP120 protein (p.Ile95Met). This variant is present in population databases (rs367752008, gnomAD 0.006%). This variant has not been reported in the literature in individuals affected with CEP120-related conditions. ClinVar contains an entry for this variant (Variation ID: 1350479). Advanced modeling of protein sequence and biophysical properties (such as structural, functional, and spatial information, amino acid conservation, physicochemical variation, residue mobility, and thermodynamic stability) performed at Invitae indicates that this missense variant is expected to disrupt CEP120 protein function. In summary, the available evidence is currently insufficient to determine the role of this variant in disease. Therefore, it has been classified as a Variant of Uncertain Significance.

NM_001375405.1(CEP120):c.285C>G (p.Ile95Met)

Gene: CEP120 (centrosomal protein 120; minus strand). Cytogenetic location: 5q23.2.
Variant type: single nucleotide variant.
Coding change: c.285C>G on transcript NM_001375405.1 (MANE Select); coding-DNA position 285, C replaced by G.
Protein change: p.Ile95Met; replaces isoleucine 95 with methionine.
Molecular consequence: missense variant. On other transcripts: 5 prime UTR variant (2), non-coding transcript variant (1).
Genome position (GRCh38, 1-based): chr5:123,416,046, G>C on the plus strand (C>G on the coding strand, the complement: CEP120 is on the minus strand). VCF-style: chr5-123416046-G-C. GRCh37 (hg19) VCF-style: chr5-122751740-G-C.
Other names: c.207C>G, p.Ile69Met (NM_001166226.2); c.285C>G, p.Ile95Met (NM_001375406.1, NM_001375407.1, NM_153223.4); c.-464C>G (NM_001375408.1); c.-406C>G (NM_001375409.1); short protein forms I69M, I95M.
Identifiers: ClinVar variation 1350479 (VCV001350479.6), dbSNP rs367752008, ClinGen allele CA3387296.